The following is an entry in ClinVar:

ClinVar aggregate classification (germline): Uncertain significance (1 of 4 stars; one submission).

Conditions:
Leigh syndrome (NULS). Also called: Leigh's necrotizing encephalopathy; Leigh's disease; Leigh Syndrome (mtDNA deletion); Leigh Disease; Subacute necrotizing encephalopathy; Necrotizing encephalopathy infantile subacute of Leigh. Identifiers: Orphanet 506, MedGen C2931891, MONDO:0009723, OMIM 256000.

Submission:

Wong Mito Lab, Molecular and Human Genetics, Baylor College of Medicine
Classification: Uncertain significance for Leigh syndrome. Last evaluated: 2019-10-17. Review status: criteria provided, single submitter. Criteria: Modified ACMG Guidelines (Unpublished). Collection method: clinical testing. Allele origin: germline.
Comment: The NC_012920.1:m.4148G>A (YP_003024026.1:p.Arg281His) variant in MTND1 gene is interpretated to be a Uncertain Significance variant based on the modified ACMG guidelines (unpublished). This variant meets the following evidence codes: no criteria

NC_012920.1(MT-ND1):m.4148G>A

Gene: MT-ND1 (mitochondrially encoded NADH dehydrogenase 1; plus strand).
Variant type: single nucleotide variant.
Genome position: chrM-4148-G-A.
Identifiers: ClinVar variation 692428 (VCV000692428.1), dbSNP rs1603219323, ClinGen allele CA414774286.